The following is an entry in ClinVar:

NM_014611.3(MDN1):c.9423G>A (p.Arg3141=)

Gene: MDN1 (midasin AAA ATPase 1; minus strand). Cytogenetic location: 6q15.
Variant type: single nucleotide variant.
Coding change: c.9423G>A on transcript NM_014611.3 (MANE Select); coding-DNA position 9423, G replaced by A.
Protein change: p.Arg3141=; no amino-acid change (arginine 3141 retained).
Molecular consequence: synonymous variant.
Genome position (GRCh38, 1-based): chr6:89,695,953, C>T on the plus strand (G>A on the coding strand, the complement: MDN1 is on the minus strand). VCF-style: chr6-89695953-C-T. GRCh37 (hg19) VCF-style: chr6-90405672-C-T.
Identifiers: ClinVar variation 3043670 (VCV003043670.2), dbSNP rs116565488, ClinGen allele CA3923785.

ClinVar aggregate classification (germline): Benign (0 of 4 stars; one submission).

Conditions:
MDN1-related disorder. Also called: MDN1-related condition.

Allele frequency attached by ClinVar (database versions not stated): gnomAD exomes 0.00035; gnomAD 0.00368; 1000 Genomes Project 30x 0.00390; TOPMed 0.00427; ExAC 0.00097; 1000 Genomes Project 0.00339; ESP Exome Variant Server 0.00347.
gnomAD v4.1: 1,099 of 1,611,474 alleles (0.068%); highest among the groups gnomAD compares: African/African-American, 1.3%; 5 homozygotes.

Submission:

PreventionGenetics, part of Exact Sciences
Classification: Benign for MDN1-related condition. Last evaluated: 2019-06-06. Review status: no assertion criteria provided. Collection method: clinical testing. Allele origin: germline.
Comment: This variant is classified as benign based on ACMG/AMP sequence variant interpretation guidelines (Richards et al. 2015 PMID: 25741868, with internal and published modifications).